The following is an entry in ClinVar:

ClinVar aggregate classification (germline): Likely benign (1 of 4 stars; one submission).

gnomAD v4.1: 62 of 1,591,822 alleles (0.0039%); highest among the groups gnomAD compares: Non-Finnish European, 0.0052%; no homozygotes.

Submission:

CeGaT Center for Human Genetics Tuebingen
Classification: Likely benign. Last evaluated: 2026-01-01. Review status: criteria provided, single submitter. Criteria: CeGaT Center For Human Genetics Tuebingen Variant Classification Criteria Version 2. Collection method: clinical testing. Allele origin: germline. Affected: yes. Observed: 2 variant alleles.
Comment: KDM4B: BS2

NM_015015.3(KDM4B):c.2789G>A (p.Arg930His)

Gene: KDM4B (lysine demethylase 4B; plus strand). Cytogenetic location: 19p13.3.
Variant type: single nucleotide variant.
Coding change: c.2789G>A on transcript NM_015015.3 (MANE Select); coding-DNA position 2789, G replaced by A.
Protein change: p.Arg930His; replaces arginine 930 with histidine.
Molecular consequence: missense variant.
Genome position (GRCh38, 1-based): chr19:5,144,300, G>A. VCF-style: chr19-5144300-G-A. GRCh37 (hg19) VCF-style: chr19-5144311-G-A.
Other names: c.2891G>A, p.Arg964His (NM_001411148.1); short protein forms R930H, R964H.
Identifiers: ClinVar variation 3770886 (VCV003770886.13).